The following is an entry in ClinVar:

ClinVar aggregate classification (germline): Uncertain significance. Review status: criteria provided, multiple submitters, no conflicts (2 of 4 stars). 2 submissions from 2 submitters: Uncertain significance (2). Last evaluated 2025-02-26.

Conditions:
Spastic paraplegia. Identifiers: MedGen C0037772, HP:0001258.

Allele frequency attached by ClinVar (database versions not stated): gnomAD 0.00001; gnomAD exomes 0.00001; ExAC 0.00002.
gnomAD v4.1: 12 of 1,613,970 alleles (0.00074%); highest among the groups gnomAD compares: African/African-American, 0.0013%; no homozygotes.

Submissions (2):

Labcorp Genetics (formerly Invitae), Labcorp
Classification: Uncertain significance for Spastic paraplegia. Last evaluated: 2025-02-26. Review status: criteria provided, single submitter. Criteria: Invitae Variant Classification Sherloc (09022015). Collection method: clinical testing. Allele origin: germline.
Comment: This sequence change replaces isoleucine, which is neutral and non-polar, with threonine, which is neutral and polar, at codon 31 of the KIF5A protein (p.Ile31Thr). This variant is present in population databases (rs199955108, gnomAD 0.007%). This variant has not been reported in the literature in individuals affected with KIF5A-related conditions. ClinVar contains an entry for this variant (Variation ID: 2741673). Invitae Evidence Modeling of protein sequence and biophysical properties (such as structural, functional, and spatial information, amino acid conservation, physicochemical variation, residue mobility, and thermodynamic stability) has been performed for this missense variant. However, the output from this modeling did not meet the statistical confidence thresholds required to predict the impact of this variant on KIF5A protein function. In summary, the available evidence is currently insufficient to determine the role of this variant in disease. Therefore, it has been classified as a Variant of Uncertain Significance.

Blueprint Genetics
Classification: Uncertain significance. Last evaluated: 2024-03-05. Review status: criteria provided, single submitter. Criteria: ACMG Guidelines, 2015. Collection method: clinical testing. Allele origin: germline.

NM_004984.4(KIF5A):c.92T>C (p.Ile31Thr)

Gene: KIF5A (kinesin family member 5A; plus strand). Cytogenetic location: 12q13.3.
Variant type: single nucleotide variant.
Coding change: c.92T>C on transcript NM_004984.4 (MANE Select); coding-DNA position 92, T replaced by C.
Protein change: p.Ile31Thr; replaces isoleucine 31 with threonine.
Molecular consequence: missense variant.
Genome position (GRCh38, 1-based): chr12:57,550,363, T>C. VCF-style: chr12-57550363-T-C. GRCh37 (hg19) VCF-style: chr12-57944146-T-C.
Other names: c.92T>C, p.Ile31Thr (NM_001354705.2); short protein forms I31T.
Identifiers: ClinVar variation 2741673 (VCV002741673.4), dbSNP rs199955108, ClinGen allele CA6652497.